The following is an entry in ClinVar:

ClinVar aggregate classification (germline): Uncertain significance (1 of 4 stars; one submission).

Submission:

Ambry Genetics
Classification: Uncertain significance. Last evaluated: 2026-05-14. Review status: criteria provided, single submitter. Criteria: Ambry Variant Classification Scheme 2023. Collection method: clinical testing. Allele origin: germline.
Comment: The p.Q635E variant (also known as c.1903C>G), located in coding exon 1 of the TET2 gene, results from a C to G substitution at nucleotide position 1903. The glutamine at codon 635 is replaced by glutamic acid, an amino acid with highly similar properties. This amino acid position is conserved. In addition, this alteration is predicted to be tolerated by in silico analysis. Based on the available evidence, the clinical significance of this variant remains unclear.

NM_001127208.3(TET2):c.1903C>G (p.Gln635Glu)

Genes: TET2 (tet methylcytosine dioxygenase 2; plus strand), TET2-AS1 (TET2 antisense RNA 1; minus strand). Cytogenetic location: 4q24.
Variant type: single nucleotide variant.
Coding change: c.1903C>G on transcript NM_001127208.3 (MANE Select); coding-DNA position 1903, C replaced by G.
Protein change: p.Gln635Glu; replaces glutamine 635 with glutamic acid.
Molecular consequence: missense variant.
Genome position (GRCh38, 1-based): chr4:105,235,845, C>G. VCF-style: chr4-105235845-C-G. GRCh37 (hg19) VCF-style: chr4-106157002-C-G.
Other names: c.1903C>G, p.Gln635Glu (NM_017628.4); short protein forms Q635E.
Identifiers: ClinVar variation 4865571 (VCV004865571.1).